The following is an entry in ClinVar:

ClinVar aggregate classification (germline): Likely benign (1 of 4 stars; one submission).

Submission:

CeGaT Center for Human Genetics Tuebingen
Classification: Likely benign. Last evaluated: 2025-11-01. Review status: criteria provided, single submitter. Criteria: CeGaT Center For Human Genetics Tuebingen Variant Classification Criteria Version 2. Collection method: clinical testing. Allele origin: germline. Affected: yes. Observed: 4 variant alleles.
Comment: LILRA2: BP4, BP7

NM_001130917.3(LILRA2):c.1167C>T (p.His389=)

Gene: LILRA2 (leukocyte immunoglobulin like receptor A2; plus strand). Cytogenetic location: 19q13.42.
Variant type: single nucleotide variant.
Coding change: c.1167C>T on transcript NM_001130917.3 (MANE Select); coding-DNA position 1167, C replaced by T.
Protein change: p.His389=; no amino-acid change (histidine 389 retained).
Molecular consequence: synonymous variant.
Genome position (GRCh38, 1-based): chr19:54,576,021, C>T. VCF-style: chr19-54576021-C-T. GRCh37 (hg19) VCF-style: chr19-55087488-C-T.
Other names: c.1131C>T, p.His377= (NM_001290270.1); c.1167C>T, p.His389= (NM_001290271.2, NM_006866.4).
Identifiers: ClinVar variation 4083679 (VCV004083679.8).